The following is an entry in ClinVar:

NM_000836.4(GRIN2D):c.3946C>G (p.Arg1316Gly)

Gene: GRIN2D (glutamate ionotropic receptor NMDA type subunit 2D; plus strand). Cytogenetic location: 19q13.33.
Variant type: single nucleotide variant.
Coding change: c.3946C>G on transcript NM_000836.4 (MANE Select); coding-DNA position 3946, C replaced by G.
Protein change: p.Arg1316Gly; replaces arginine 1316 with glycine.
Molecular consequence: missense variant.
Genome position (GRCh38, 1-based): chr19:48,443,872, C>G. VCF-style: chr19-48443872-C-G. GRCh37 (hg19) VCF-style: chr19-48947129-C-G.
Other names: short protein forms R1316G.
Identifiers: ClinVar variation 2775725 (VCV002775725.3), dbSNP rs757172835, ClinGen allele CA406679123.

ClinVar aggregate classification (germline): Uncertain significance (1 of 4 stars; one submission).

Allele frequency attached by ClinVar (database versions not stated): TOPMed below 0.00001.

Submission:

Labcorp Genetics (formerly Invitae), Labcorp
Classification: Uncertain significance. Last evaluated: 2023-09-15. Review status: criteria provided, single submitter. Criteria: Invitae Variant Classification Sherloc (09022015). Collection method: clinical testing. Allele origin: germline.
Comment: This sequence change replaces arginine, which is basic and polar, with glycine, which is neutral and non-polar, at codon 1316 of the GRIN2D protein (p.Arg1316Gly). This variant is not present in population databases (gnomAD no frequency). This variant has not been reported in the literature in individuals affected with GRIN2D-related conditions. Advanced modeling of protein sequence and biophysical properties (such as structural, functional, and spatial information, amino acid conservation, physicochemical variation, residue mobility, and thermodynamic stability) performed at Invitae indicates that this missense variant is not expected to disrupt GRIN2D protein function. In summary, the available evidence is currently insufficient to determine the role of this variant in disease. Therefore, it has been classified as a Variant of Uncertain Significance.